The following is an entry in ClinVar:

ClinVar aggregate classification (germline): Pathogenic (1 of 4 stars; one submission).

Conditions:
Developmental and epileptic encephalopathy, 2 (DEE2). Also called: INFANTILE SPASM SYNDROME, X-LINKED 2; CDKL5 deficiency disorder. Identifiers: Orphanet 1934, Orphanet 3451, Orphanet 505652, MedGen C4750718, MONDO:0010396, OMIM 300672.

Submission:

Victorian Clinical Genetics Services, Murdoch Childrens Research Institute
Classification: Pathogenic for Developmental and epileptic encephalopathy, 2. Last evaluated: 2025-10-23. Review status: criteria provided, single submitter. Criteria: ACMG Guidelines, 2015. Collection method: clinical testing. Allele origin: germline. Affected: yes.
Comment: This variant is classified as Pathogenic. Evidence in support of pathogenic classification: Canonical splice site variant without proven consequence on splicing (no functional evidence available); Variant is absent from gnomAD (v2, v3 and v4); Other canonical splice variant(s) comparable to the one identified in this case have strong previous evidence for pathogenicity. The variant c.65-1G>A has been classified once as pathogenic by a clinical laboratory (ClinVar). Additionally, c.65-1G>A, c.65-2A>T, and c.65-2A>G have each been reported in individuals affected with CDKL5-related features (PMIDs: 29264392, 33436160, 35980457); Abnormal splicing is predicted by in silico tool and affected nucleotide is highly conserved; Additional information: This variant is heterozygous; This gene is associated with X-linked dominant disease; This variant has no previous evidence of pathogenicity; No published evidence of segregation with disease has been identified for this variant; No published functional evidence has been identified for this variant; Loss of function is a known mechanism of disease in this gene and is associated with developmental and epileptic encephalopathy 2 (MIM#300672); Variants in this gene are known to have variable expressivity. Variable expressivity is reported to be dependent on the variant type and position, X-chromosome inactivation in females or post-zygotic mosaicism in males (PMID: 33989939).

Literature cited by the submitters: PubMed 33436160; PubMed 29264392; PubMed 35980457; PubMed 33989939.

NM_001323289.2(CDKL5):c.65-2A>C

Gene: CDKL5 (cyclin dependent kinase like 5; plus strand). Cytogenetic location: Xp22.13.
Variant type: single nucleotide variant.
Coding change: c.65-2A>C on transcript NM_001323289.2 (MANE Select); the canonical splice acceptor site of the intron before coding-DNA position 65, A replaced by C.
Molecular consequence: splice acceptor variant.
Genome position (GRCh38, 1-based): chrX:18,510,818, A>C. VCF-style: chrX-18510818-A-C. GRCh37 (hg19) VCF-style: chrX-18528938-A-C.
Other names: c.65-2A>C (NM_003159.3, NM_001037343.2).
Identifiers: ClinVar variation 4532177 (VCV004532177.1).